The following is an entry in ClinVar:

ClinVar aggregate classification (germline): Pathogenic (1 of 4 stars; one submission).

Conditions:
Inborn genetic diseases. Identifiers: MedGen C0950123, MeSH D030342.

Submission:

Ambry Genetics
Classification: Pathogenic for Inborn genetic diseases. Last evaluated: 2025-03-07. Review status: criteria provided, single submitter. Criteria: Ambry Variant Classification Scheme 2023. Collection method: clinical testing. Allele origin: germline.
Comment: The c.3574_3575delAT (p.M1192Vfs*3) alteration, located in exon 14 (coding exon 14) of the ASPM gene, consists of a deletion of 2 nucleotides from position 3574 to 3575, causing a translational frameshift with a predicted alternate stop codon after 3 amino acids. This alteration is expected to result in loss of function by premature protein truncation or nonsense-mediated mRNA decay. This variant was not reported in population-based cohorts in the Genome Aggregation Database (gnomAD). Based on the available evidence, this alteration is classified as pathogenic.

NM_018136.5(ASPM):c.3574_3575del (p.Met1192fs)

Gene: ASPM (assembly factor for spindle microtubules; minus strand). Cytogenetic location: 1q31.3.
Variant type: Microsatellite.
Coding change: c.3574_3575del on transcript NM_018136.5 (MANE Select); coding-DNA positions 3574 to 3575, 2 bases deleted (AT; older notation c.3574_3575delAT).
Protein change: p.Met1192fs; shifts the reading frame from methionine 1192.
Molecular consequence: frameshift variant.
Genome position (GRCh38, 1-based): chr1:197,122,411-197,122,412, AT deleted on the plus strand (AT on the coding strand, the reverse complement: ASPM is on the minus strand); deleting any 2 consecutive bases within chr1:197,122,411-197,122,414 gives the same sequence; the c. name uses the placement nearest the transcript's 3' end. VCF-style (leftmost placement, unchanged base first): chr1-197122410-CAT-C. GRCh37 (hg19) VCF-style: chr1-197091540-CAT-C.
Other names: c.3574_3575del, p.Met1192fs (NM_001206846.2); short protein forms M1192fs.
Identifiers: ClinVar variation 3790380 (VCV003790380.1).